The following is an entry in ClinVar:

NM_001146.5(ANGPT1):c.685A>G (p.Ile229Val)

Gene: ANGPT1 (angiopoietin 1; minus strand). Cytogenetic location: 8q23.1.
Variant type: single nucleotide variant.
Coding change: c.685A>G on transcript NM_001146.5 (MANE Select); coding-DNA position 685, A replaced by G.
Protein change: p.Ile229Val; replaces isoleucine 229 with valine.
Molecular consequence: missense variant.
Genome position (GRCh38, 1-based): chr8:107,322,019, T>C on the plus strand (A>G on the coding strand, the complement: ANGPT1 is on the minus strand). VCF-style: chr8-107322019-T-C. GRCh37 (hg19) VCF-style: chr8-108334247-T-C.
Other names: c.685A>G, p.Ile229Val (NM_001199859.3); c.85A>G, p.Ile29Val (NM_001314051.2); short protein forms I229V, I29V.
Identifiers: ClinVar variation 1968517 (VCV001968517.5), dbSNP rs756460117, ClinGen allele CA4841288.

ClinVar aggregate classification (germline): Uncertain significance (1 of 4 stars; one submission).

Allele frequency attached by ClinVar (database versions not stated): gnomAD 0.00001; TOPMed 0.00001; ExAC 0.00003; gnomAD exomes 0.00004.
gnomAD v4.1: 54 of 1,613,914 alleles (0.0033%); highest among the groups gnomAD compares: South Asian, 0.0044%; no homozygotes.

Submission:

Labcorp Genetics (formerly Invitae), Labcorp
Classification: Uncertain significance. Last evaluated: 2025-02-06. Review status: criteria provided, single submitter. Criteria: Invitae Variant Classification Sherloc (09022015). Collection method: clinical testing. Allele origin: germline.
Comment: This sequence change replaces isoleucine, which is neutral and non-polar, with valine, which is neutral and non-polar, at codon 229 of the ANGPT1 protein (p.Ile229Val). This variant is present in population databases (rs756460117, gnomAD 0.01%). This variant has not been reported in the literature in individuals affected with ANGPT1-related conditions. ClinVar contains an entry for this variant (Variation ID: 1968517). An algorithm developed to predict the effect of missense changes on protein structure and function outputs the following: PolyPhen-2: "Benign". The valine amino acid residue is found in multiple mammalian species, which suggests that this missense change does not adversely affect protein function. In summary, the available evidence is currently insufficient to determine the role of this variant in disease. Therefore, it has been classified as a Variant of Uncertain Significance.